The following is an entry in ClinVar:

ClinVar aggregate classification (germline): Uncertain significance (1 of 4 stars; one submission).

Conditions:
Intellectual developmental disorder, autosomal dominant 43. Also called: Intellectual disability, autosomal dominant 43. Identifiers: MedGen C4707429, MONDO:0014858, OMIM 616977.

gnomAD v4.1: 2 of 1,614,200 alleles (0.00012%); highest among the groups gnomAD compares: South Asian, 0.0022%; no homozygotes.

Submission:

Neuberg Centre For Genomic Medicine, NCGM
Classification: Uncertain significance for Intellectual developmental disorder, autosomal dominant 43. Last evaluated: 2023-06-22. Review status: criteria provided, single submitter. Criteria: ACMG Guidelines, 2015. Collection method: clinical testing. Allele origin: germline. Inheritance: Autosomal dominant inheritance. Affected: yes.
Comment: The missense c.6866C>G (p.Ala2289Gly) variant in the HIVEP2 gene has not been reported previously as a pathogenic variant nor as a benign variant, to our knowledge. This variant is absent in the gnomAD Exomes. The amino acid Alanine at position 2289 is changed to a Glycine changing protein sequence and it might alter its composition and physico-chemical properties. Multiple lines of computational evidence (Polyphen - Benign, SIFT - Tolerated and MutationTaster -Polymorphism) predict no damaging effect on protein structure and function for this variant. For these reasons, this variant has been classified as Uncertain Significance.

NM_006734.4(HIVEP2):c.6866C>G (p.Ala2289Gly)

Gene: HIVEP2 (HIVEP zinc finger 2; minus strand). Cytogenetic location: 6q24.2.
Variant type: single nucleotide variant.
Coding change: c.6866C>G on transcript NM_006734.4 (MANE Select); coding-DNA position 6866, C replaced by G.
Protein change: p.Ala2289Gly; replaces alanine 2289 with glycine.
Molecular consequence: missense variant.
Genome position (GRCh38, 1-based): chr6:142,753,582, G>C on the plus strand (C>G on the coding strand, the complement: HIVEP2 is on the minus strand). VCF-style: chr6-142753582-G-C. GRCh37 (hg19) VCF-style: chr6-143074719-G-C.
Other names: short protein forms A2289G.
Identifiers: ClinVar variation 3731489 (VCV003731489.1).